The following is an entry in ClinVar:

ClinVar aggregate classification (germline): Uncertain significance. Review status: criteria provided, multiple submitters, no conflicts (2 of 4 stars). 3 submissions from 3 submitters: Uncertain significance (3). Last evaluated 2025-11-05.

Conditions:
PRX-related disorder. Also called: PRX-related condition; PRX-Related Disorders.
Charcot-Marie-Tooth disease type 4. Also called: Charcot-Marie-Tooth disease, type IV; Charcot-Marie-Tooth, Type 4. Identifiers: Orphanet 64749, MedGen C4082197, MONDO:0018995.

Allele frequency attached by ClinVar (database versions not stated): gnomAD exomes 0.00001 and 0.00002; TOPMed 0.00001; ExAC 0.00002.
gnomAD v4.1: 4 of 1,613,988 alleles (0.00025%); highest among the groups gnomAD compares: Admixed American, 0.0067%; no homozygotes.

Submissions (3):

PreventionGenetics, part of Exact Sciences
Classification: Uncertain significance for PRX-related condition. Last evaluated: 2025-11-05. Review status: criteria provided, single submitter. Criteria: ACMG Guidelines, 2015. Collection method: clinical testing. Allele origin: germline.
Comment: The PRX c.2892C>G variant is predicted to result in the amino acid substitution p.Ile964Met. To our knowledge, this variant has not been reported in the literature. This variant is reported in 0.012% of alleles in individuals of Latino descent in gnomAD. At this time, the clinical significance of this variant is uncertain due to the absence of conclusive functional and genetic evidence.

Labcorp Genetics (formerly Invitae), Labcorp
Classification: Uncertain significance for Charcot-Marie-Tooth disease type 4. Last evaluated: 2022-06-27. Review status: criteria provided, single submitter. Criteria: Invitae Variant Classification Sherloc (09022015). Collection method: clinical testing. Allele origin: germline.
Comment: In summary, the available evidence is currently insufficient to determine the role of this variant in disease. Therefore, it has been classified as a Variant of Uncertain Significance. Algorithms developed to predict the effect of missense changes on protein structure and function are either unavailable or do not agree on the potential impact of this missense change (SIFT: "Deleterious"; PolyPhen-2: "Possibly Damaging"; Align-GVGD: "Class C0"). ClinVar contains an entry for this variant (Variation ID: 448137). This variant has not been reported in the literature in individuals affected with PRX-related conditions. This sequence change replaces isoleucine, which is neutral and non-polar, with methionine, which is neutral and non-polar, at codon 964 of the PRX protein (p.Ile964Met). This variant is present in population databases (rs758668778, gnomAD 0.01%).

Athena Diagnostics
Classification: Uncertain significance. Last evaluated: 2017-06-27. Review status: criteria provided, single submitter. Criteria: Athena Diagnostics Criteria. Collection method: clinical testing. Allele origin: germline.

NM_181882.3(PRX):c.2892C>G (p.Ile964Met)

Gene: PRX (periaxin; minus strand). Cytogenetic location: 19q13.2.
Variant type: single nucleotide variant.
Coding change: c.2892C>G on transcript NM_181882.3 (MANE Select); coding-DNA position 2892, C replaced by G.
Protein change: p.Ile964Met; replaces isoleucine 964 with methionine.
Molecular consequence: missense variant. On other transcripts: 3 prime UTR variant (1).
Genome position (GRCh38, 1-based): chr19:40,395,460, G>C on the plus strand (C>G on the coding strand, the complement: PRX is on the minus strand). VCF-style: chr19-40395460-G-C. GRCh37 (hg19) VCF-style: chr19-40901367-G-C.
Other names: c.*3097C>G (NM_020956.2); short protein forms I964M.
Identifiers: ClinVar variation 448137 (VCV000448137.9), dbSNP rs758668778, ClinGen allele CA9443961.
Genomic context (GRCh38, chr19:40,395,460, plus strand): 5'-GCCTGCCTCCCCAGCCCCTTTGGCCTCAGCCTCAGCCCCCACCCGAGCCTTGGGGAGTGA[G>C]ATGGCAAATTTGGATACCTTCAGCTTGGTAGCTCGCCCAGCCCCCTCAGCCTCTGCCTTA-3'
Protein context (NP_870998.2, residues 954-974): ATKLKVSKFA[Ile964Met]SLPKARVGAE